The following is an entry in ClinVar:

ClinVar aggregate classification (germline): Likely benign. Review status: criteria provided, multiple submitters, no conflicts (2 of 4 stars). 4 submissions from 4 submitters: Likely benign (3). 1 of the submissions does not count toward it. Last evaluated 2025-12-11.

Conditions:
GTPBP3-related disorder. Also called: GTPBP3-related condition.

Allele frequency attached by ClinVar (database versions not stated): gnomAD exomes 0.00008 and 0.00013; 1000 Genomes Project 30x 0.00016; ExAC 0.00017; 1000 Genomes Project 0.00020; ESP Exome Variant Server 0.00054; gnomAD 0.00059 and 0.00063; TOPMed 0.00067.
gnomAD v4.1: 221 of 1,605,600 alleles (0.014%); highest among the groups gnomAD compares: African/African-American, 0.22%; 2 homozygotes.

Submissions (4):

Labcorp Genetics (formerly Invitae), Labcorp
Classification: Likely benign. Last evaluated: 2025-12-11. Review status: criteria provided, single submitter. Criteria: Invitae Variant Classification Sherloc (09022015). Collection method: clinical testing. Allele origin: germline.

Blueprint Genetics
Classification: Likely benign. Last evaluated: 2024-11-01. Review status: criteria provided, single submitter. Criteria: ACMG Guidelines, 2015. Collection method: clinical testing. Allele origin: germline.

GeneDx
Classification: Likely benign. Last evaluated: 2018-03-12. Review status: criteria provided, single submitter. Criteria: GeneDx Variant Classification (06012015). Collection method: clinical testing. Allele origin: germline. Affected: yes.
Comment: This variant is considered likely benign or benign based on one or more of the following criteria: it is a conservative change, it occurs at a poorly conserved position in the protein, it is predicted to be benign by multiple in silico algorithms, and/or has population frequency not consistent with disease.

PreventionGenetics, part of Exact Sciences
Classification: Likely benign for GTPBP3-related condition. Last evaluated: 2020-01-13. Review status: no assertion criteria provided. Collection method: clinical testing. Allele origin: germline. Not counted in ClinVar's aggregate classification.
Comment: This variant is classified as likely benign based on ACMG/AMP sequence variant interpretation guidelines (Richards et al. 2015 PMID: 25741868, with internal and published modifications).

NM_032620.4(GTPBP3):c.1254-7C>T

Gene: GTPBP3 (GTP binding protein 3, mitochondrial; plus strand). Cytogenetic location: 19p13.11.
Variant type: single nucleotide variant.
Coding change: c.1254-7C>T on transcript NM_032620.4 (MANE Select); 7 bases into the intron before coding-DNA position 1254, C replaced by T.
Molecular consequence: intron variant.
Genome position (GRCh38, 1-based): chr19:17,341,471, C>T. VCF-style: chr19-17341471-C-T. GRCh37 (hg19) VCF-style: chr19-17452280-C-T.
Other names: c.1320-7C>T (NM_001195422.1); c.1350-7C>T (NM_133644.4); c.1191-7C>T (NM_001128855.3).
Identifiers: ClinVar variation 515885 (VCV000515885.14), dbSNP rs372048642, ClinGen allele CA9293694.